The following is an entry in ClinVar:

ClinVar aggregate classification (germline): Likely benign. Review status: criteria provided, multiple submitters, no conflicts (2 of 4 stars). 3 submissions from 3 submitters: Likely benign (2). 1 of the submissions does not count toward it. Last evaluated 2025-04-07.

Conditions:
Hereditary sensory and autonomic neuropathy type 1 (HSAN1). Also called: HSAN 1; Hereditary Sensory Neuropathy Type I; HSN Type I. Identifiers: Orphanet 36386, MedGen C0020071, MONDO:0018213.
SPTLC1-related disorder. Also called: SPTLC1-related condition.

Allele frequency attached by ClinVar (database versions not stated): gnomAD below 0.00001 and 0.00001; gnomAD exomes 0.00020 and 0.00011; TOPMed below 0.00001; ExAC 0.00025.
gnomAD v4.1: 154 of 1,598,746 alleles (0.0096%); highest among the groups gnomAD compares: South Asian, 0.15%; 2 homozygotes.

Submissions (3):

Labcorp Genetics (formerly Invitae), Labcorp
Classification: Likely benign for Hereditary sensory and autonomic neuropathy type 1. Last evaluated: 2025-04-07. Review status: criteria provided, single submitter. Criteria: Invitae Variant Classification Sherloc (09022015). Collection method: clinical testing. Allele origin: germline.

GeneDx
Classification: Likely benign. Last evaluated: 2021-01-06. Review status: criteria provided, single submitter. Criteria: GeneDx Variant Classification Process June 2021. Collection method: clinical testing. Allele origin: germline. Affected: yes.

PreventionGenetics, part of Exact Sciences
Classification: Likely benign for SPTLC1-related condition. Last evaluated: 2019-05-07. Review status: no assertion criteria provided. Collection method: clinical testing. Allele origin: germline. Not counted in ClinVar's aggregate classification.
Comment: This variant is classified as likely benign based on ACMG/AMP sequence variant interpretation guidelines (Richards et al. 2015 PMID: 25741868, with internal and published modifications).

NM_006415.4(SPTLC1):c.888T>C (p.Asn296=)

Gene: SPTLC1 (serine palmitoyltransferase long chain base subunit 1; minus strand). Cytogenetic location: 9q22.31.
Variant type: single nucleotide variant.
Coding change: c.888T>C on transcript NM_006415.4 (MANE Select); coding-DNA position 888, T replaced by C.
Protein change: p.Asn296=; no amino-acid change (asparagine 296 retained).
Molecular consequence: synonymous variant.
Genome position (GRCh38, 1-based): chr9:92,049,960, A>G on the plus strand (T>C on the coding strand, the complement: SPTLC1 is on the minus strand). VCF-style: chr9-92049960-A-G. GRCh37 (hg19) VCF-style: chr9-94812242-A-G.
Other names: c.888T>C (LRG_272t1); c.888T>C, p.Asn296= (NM_001281303.2); c.522T>C, p.Asn174= (NM_001368272.1); c.423T>C, p.Asn141= (NM_001368273.1).
Identifiers: ClinVar variation 388379 (VCV000388379.13), dbSNP rs761625053, ClinGen allele CA5121413.
Genomic context (GRCh38, chr9:92,049,960, plus strand): 5'-CAGAATGGAACTACATGTCTCCTATAAGAGGGGAAACGTTCTTAAAAAAGGGGAACTTAC[A>G]TTGATTCCATAGTGTTCAGTGACTCCTCGGCCATGCTCTCCTAGGACTCCAAATGAAAGG-3'
Protein context (NP_006406.1, residues 286-306): GRGVTEHYGI[Asn296=]IDDIDLISAN